The following is an entry in ClinVar:

NM_001170700.3(DTHD1):c.1767C>A (p.Ser589Arg)

Gene: DTHD1 (death domain containing 1; plus strand). Cytogenetic location: 4p14.
Variant type: single nucleotide variant.
Coding change: c.1767C>A on transcript NM_001170700.3 (MANE Select); coding-DNA position 1767, C replaced by A.
Protein change: p.Ser589Arg; replaces serine 589 with arginine.
Molecular consequence: missense variant. On other transcripts: non-coding transcript variant (2).
Genome position (GRCh38, 1-based): chr4:36,306,314, C>A. VCF-style: chr4-36306314-C-A. GRCh37 (hg19) VCF-style: chr4-36307936-C-A.
Other names: c.897C>A, p.Ser299Arg (NM_001136536.5); c.834C>A, p.Ser278Arg (NM_001378435.1); short protein forms S278R, S589R, S299R.
Identifiers: ClinVar variation 854375 (VCV000854375.9), dbSNP rs188954144, ClinGen allele CA356680555.

ClinVar aggregate classification (germline): Uncertain significance (1 of 4 stars; one submission).

gnomAD v4.1: 2 of 1,551,080 alleles (0.00013%); highest among the groups gnomAD compares: East Asian, 0.0024%; no homozygotes.

Submission:

Labcorp Genetics (formerly Invitae), Labcorp
Classification: Uncertain significance. Last evaluated: 2023-11-27. Review status: criteria provided, single submitter. Criteria: Invitae Variant Classification Sherloc (09022015). Collection method: clinical testing. Allele origin: germline.
Comment: This sequence change replaces serine, which is neutral and polar, with arginine, which is basic and polar, at codon 299 of the DTHD1 protein (p.Ser299Arg). This variant is present in population databases (no rsID available, gnomAD 0.01%). This variant has not been reported in the literature in individuals affected with DTHD1-related conditions. ClinVar contains an entry for this variant (Variation ID: 854375). An algorithm developed to predict the effect of missense changes on protein structure and function (PolyPhen-2) suggests that this variant is likely to be tolerated. Algorithms developed to predict the effect of sequence changes on RNA splicing suggest that this variant may disrupt the consensus splice site. In summary, the available evidence is currently insufficient to determine the role of this variant in disease. Therefore, it has been classified as a Variant of Uncertain Significance.